The following is an entry in ClinVar:

NM_000321.3(RB1):c.49_80del (p.Ala17fs)

Gene: RB1 (RB transcriptional corepressor 1; plus strand). Cytogenetic location: 13q14.2.
Variant type: Deletion.
Coding change: c.49_80del on transcript NM_000321.3 (MANE Select); coding-DNA positions 49 to 80, 32 bases deleted.
Protein change: p.Ala17fs; shifts the reading frame from alanine 17.
Molecular consequence: frameshift variant.
Genome position (GRCh38, 1-based): chr13:48,303,961-48,303,992, 32 bases deleted; deleting any 32 consecutive bases within chr13:48,303,958-48,303,992 gives the same sequence; the c. name uses the placement nearest the transcript's 3' end. GRCh37 (hg19): chr13:48,878,097-48,878,128.
Other names: c.49_80del, p.Ala17fs (NM_001407165.1, NM_001407166.1, NM_001407167.1); short protein forms A17fs.
Identifiers: ClinVar variation 3236994 (VCV003236994.1), dbSNP rs2542093585.

ClinVar aggregate classification (germline): Pathogenic (1 of 4 stars; one submission).

Conditions:
Retinoblastoma (RB1). Also called: RETINOBLASTOMA, SOMATIC. Identifiers: Orphanet 790, MedGen C0035335, MeSH D012175, MONDO:0008380, OMIM 180200, HP:0009919. Disease mechanism: loss of function. Inheritance: Both sporadic and heritable forms are tested..

Submission:

Genetic Diagnostic Laboratory, University of Pennsylvania School of Medicine
Classification: Pathogenic for Retinoblastoma. Last evaluated: 2024-05-20. Review status: criteria provided, single submitter. Criteria: ACMG Guidelines, 2015. Collection method: clinical testing. Allele origin: germline. Affected: yes. Observed: 1 variant allele.
Comment: Case and Pedigree Information: BILATERAL CASES:1, UNILATERAL CASES:0, TOTAL CASES:1, PEDIGREES:1. ACMG Codes Applied:PVS1, PM2